The following is an entry in ClinVar:

NM_002528.7(NTHL1):c.805G>C (p.Glu269Gln)

Gene: NTHL1 (nth like DNA glycosylase 1; minus strand). Cytogenetic location: 16p13.3.
Variant type: single nucleotide variant.
Coding change: c.805G>C on transcript NM_002528.7 (MANE Select); coding-DNA position 805, G replaced by C.
Protein change: p.Glu269Gln; replaces glutamic acid 269 with glutamine.
Molecular consequence: missense variant.
Genome position (GRCh38, 1-based): chr16:2,040,034, C>G on the plus strand (G>C on the coding strand, the complement: NTHL1 is on the minus strand). VCF-style: chr16-2040034-C-G. GRCh37 (hg19) VCF-style: chr16-2090035-C-G.
Other names: c.634G>C, p.Glu212Gln (NM_001318193.2); c.475G>C, p.Glu159Gln (NM_001318194.2); short protein forms E212Q, E159Q, E269Q.
Identifiers: ClinVar variation 838410 (VCV000838410.13), dbSNP rs895744368, ClinGen allele CA394287548.

ClinVar aggregate classification (germline): Uncertain significance. Review status: criteria provided, multiple submitters, no conflicts (2 of 4 stars). 2 submissions from 2 submitters: Uncertain significance (2). Last evaluated 2025-11-10.

Conditions:
Hereditary cancer-predisposing syndrome. Also called: Neoplastic Syndromes, Hereditary; Tumor predisposition; Hereditary neoplastic syndrome; Hereditary Cancer Syndrome. Identifiers: Orphanet 140162, MedGen C0027672, MeSH D009386, MONDO:0015356.

gnomAD v4.1: 1 of 1,612,290 alleles (0.000062%); highest among the groups gnomAD compares: Non-Finnish European, 0.000085%; no homozygotes.

Submissions (2):

Labcorp Genetics (formerly Invitae), Labcorp
Classification: Uncertain significance. Last evaluated: 2025-11-10. Review status: criteria provided, single submitter. Criteria: Invitae Variant Classification Sherloc (09022015). Collection method: clinical testing. Allele origin: germline.
Comment: This sequence change replaces glutamic acid, which is acidic and polar, with glutamine, which is neutral and polar, at codon 277 of the NTHL1 protein (p.Glu277Gln). This variant is not present in population databases (gnomAD no frequency). This variant has not been reported in the literature in individuals affected with NTHL1-related conditions. ClinVar contains an entry for this variant (Variation ID: 838410). An algorithm developed to predict the effect of missense changes on protein structure and function (PolyPhen-2) suggests that this variant is likely to be disruptive. In summary, the available evidence is currently insufficient to determine the role of this variant in disease. Therefore, it has been classified as a Variant of Uncertain Significance.

Ambry Genetics
Classification: Uncertain significance for Hereditary cancer-predisposing syndrome. Last evaluated: 2025-09-11. Review status: criteria provided, single submitter. Criteria: Ambry Variant Classification Scheme 2023. Collection method: clinical testing. Allele origin: germline.
Comment: The p.E277Q variant (also known as c.829G>C), located in coding exon 6 of the NTHL1 gene, results from a G to C substitution at nucleotide position 829. The glutamic acid at codon 277 is replaced by glutamine, an amino acid with highly similar properties. This amino acid position is highly conserved in available vertebrate species. In addition, the in silico prediction for this alteration is inconclusive. Since supporting evidence is limited at this time, the clinical significance of this alteration remains unclear.